The following is an entry in ClinVar:

NM_001164508.2(NEB):c.6385C>T (p.Gln2129Ter)

Gene: NEB (nebulin; minus strand). Cytogenetic location: 2q23.3.
Variant type: single nucleotide variant.
Coding change: c.6385C>T on transcript NM_001164508.2 (MANE Select); coding-DNA position 6385, C replaced by T.
Protein change: p.Gln2129Ter; replaces glutamine 2129 with a stop codon.
Molecular consequence: nonsense.
Genome position (GRCh38, 1-based): chr2:151,656,263, G>A on the plus strand (C>T on the coding strand, the complement: NEB is on the minus strand). VCF-style: chr2-151656263-G-A. GRCh37 (hg19) VCF-style: chr2-152512777-G-A.
Other names: c.6385C>T, p.Gln2129Ter (NM_004543.5, NM_001164507.2, NM_001271208.2); short protein forms Q2129*.
Identifiers: ClinVar variation 282373 (VCV000282373.53), dbSNP rs80344795, ClinGen allele CA1910112.

ClinVar aggregate classification (germline): Pathogenic/Likely pathogenic. Review status: criteria provided, multiple submitters, no conflicts (2 of 4 stars). 6 submissions from 6 submitters: Pathogenic (5); Likely pathogenic (1). Last evaluated 2025-01-21.

Conditions:
Nemaline myopathy. Also called: Myopathies, Nemaline. Identifiers: Orphanet 607, MedGen C0206157, MONDO:0018958.
Nemaline myopathy 2 (NEM2). Also called: Nemaline myopathy 2, autosomal recessive. Identifiers: MedGen C1850569, MONDO:0009725, OMIM 256030.

Allele frequency attached by ClinVar (database versions not stated): gnomAD exomes below 0.00001; ExAC 0.00001.
gnomAD v4.1: 1 of 1,613,546 alleles (0.000062%); highest among the groups gnomAD compares: Middle Eastern, 0.017%; no homozygotes.

Submissions (6):

Revvity Omics, Revvity
Classification: Pathogenic. Last evaluated: 2025-01-21. Review status: criteria provided, single submitter. Criteria: ACMG Guidelines, 2015. Collection method: clinical testing. Allele origin: germline.

Women's Health and Genetics/Laboratory Corporation of America, LabCorp
Classification: Likely pathogenic for Nemaline myopathy. Last evaluated: 2023-03-21. Review status: criteria provided, single submitter. Criteria: LabCorp Variant Classification Summary - May 2015. Collection method: clinical testing. Allele origin: germline.
Comment: Variant summary: NEB c.6385C>T (p.Gln2129X) results in a premature termination codon, predicted to cause a truncation of the encoded protein or absence of the protein due to nonsense mediated decay, which are commonly known mechanisms for disease. Truncations downstream of this position have been classified as pathogenic by our laboratory. The variant allele was found at a frequency of 4e-06 in 248798 control chromosomes (gnomAD). c.6385C>T has been reported in the literature in a family affected with atypical Nemaline Myopathy (example: Lehtokari_2014). To our knowledge, no experimental evidence demonstrating an impact on protein function has been reported. Four clinical diagnostic laboratories have submitted clinical-significance assessments for this variant to ClinVar after 2014 and all classified the variant as pathogenic. Based on the evidence outlined above, the variant was classified as likely pathogenic.

CeGaT Center for Human Genetics Tuebingen
Classification: Pathogenic. Last evaluated: 2021-11-01. Review status: criteria provided, single submitter. Criteria: CeGaT Center For Human Genetics Tuebingen Variant Classification Criteria Version 2. Collection method: clinical testing. Allele origin: germline. Affected: yes. Observed: 1 variant allele.

Genomic Research Center, Shahid Beheshti University of Medical Sciences
Classification: Pathogenic for Nemaline myopathy 2. Last evaluated: 2020-05-03. Review status: criteria provided, single submitter. Criteria: ACMG Guidelines, 2015. Collection method: clinical testing. Allele origin: unknown. Affected: yes.

Labcorp Genetics (formerly Invitae), Labcorp
Classification: Pathogenic for Nemaline myopathy 2. Last evaluated: 2019-11-25. Review status: criteria provided, single submitter. Criteria: Invitae Variant Classification Sherloc (09022015). Collection method: clinical testing. Allele origin: germline.
Comment: For these reasons, this variant has been classified as Pathogenic. Loss-of-function variants in NEB are known to be pathogenic (PMID: 25205138). This variant has been observed in individual(s) with nemaline myopathy (PMID: 25205138). ClinVar contains an entry for this variant (Variation ID: 282373). This variant is present in population databases (rs80344795, ExAC 0.002%). This sequence change creates a premature translational stop signal (p.Gln2129*) in the NEB gene. It is expected to result in an absent or disrupted protein product.

Eurofins Ntd Llc (ga)
Classification: Pathogenic. Last evaluated: 2015-08-30. Review status: criteria provided, single submitter. Criteria: EGL Classification Definitions 2015. Collection method: clinical testing. Allele origin: germline. Observed: 1 variant allele, 1 heterozygote.

Literature cited by the submitters: PubMed 25205138 (cited by Women's Health and Genetics/Laboratory Corporation of America, LabCorp and Labcorp Genetics (formerly Invitae), Labcorp).